The following is an entry in ClinVar:

NM_000465.4(BARD1):c.1182A>G (p.Thr394=)

Gene: BARD1 (BRCA1 associated RING domain 1; minus strand). Cytogenetic location: 2q35.
Variant type: single nucleotide variant.
Coding change: c.1182A>G on transcript NM_000465.4 (MANE Select); coding-DNA position 1182, A replaced by G.
Protein change: p.Thr394=; no amino-acid change (threonine 394 retained).
Molecular consequence: synonymous variant. On other transcripts: non-coding transcript variant (2), intron variant (3).
Genome position (GRCh38, 1-based): chr2:214,780,692, T>C on the plus strand (A>G on the coding strand, the complement: BARD1 is on the minus strand). VCF-style: chr2-214780692-T-C. GRCh37 (hg19) VCF-style: chr2-215645416-T-C.
Other names: c.1182A>G (NM_000465.2); c.1125A>G, p.Thr375= (NM_001282543.2); c.159-28137A>G (NM_001282548.2); c.215+16369A>G (NM_001282545.2); c.364+11605A>G (NM_001282549.2).
Identifiers: ClinVar variation 460694 (VCV000460694.19), dbSNP rs780580712, ClinGen allele CA2090327.

ClinVar aggregate classification (germline): Conflicting classifications of pathogenicity. Review status: criteria provided, conflicting classifications (1 of 4 stars). 4 submissions from 4 submitters: Uncertain significance (1); Benign (1); Likely benign (2). Last evaluated 2024-07-24.

Conditions:
Hereditary cancer-predisposing syndrome. Also called: Neoplastic Syndromes, Hereditary; Tumor predisposition; Hereditary Cancer Syndrome; Hereditary neoplastic syndrome. Identifiers: Orphanet 140162, MedGen C0027672, MeSH D009386, MONDO:0015356.
Familial cancer of breast. Also called: BREAST CANCER, FAMILIAL; hereditary breast carcinoma; Hereditary breast cancer. Identifiers: Orphanet 227535, MedGen C0346153, MONDO:0016419, OMIM 114480. Disease mechanism: loss of function.

Allele frequency attached by ClinVar (database versions not stated): gnomAD exomes below 0.00001; ExAC 0.00001; gnomAD 0.00001.
gnomAD v4.1: 4 of 1,614,008 alleles (0.00025%); highest among the groups gnomAD compares: African/African-American, 0.0013%; no homozygotes.

Submissions (4):

Myriad Genetics, Inc.
Classification: Benign for Familial cancer of breast. Last evaluated: 2024-07-24. Review status: criteria provided, single submitter. Criteria: Myriad Autosomal Dominant, Autosomal Recessive and X-Linked Classification Criteria (2023). Collection method: clinical testing. Allele origin: unknown.
Comment: This variant is considered benign. This variant is a silent/synonymous amino acid change and it is not expected to impact splicing.

Color Diagnostics, LLC DBA Color Health
Classification: Likely benign for Hereditary cancer-predisposing syndrome. Last evaluated: 2023-12-04. Review status: criteria provided, single submitter. Criteria: ACMG Guidelines, 2015. Collection method: clinical testing. Allele origin: germline.

Labcorp Genetics (formerly Invitae), Labcorp
Classification: Uncertain significance for Familial cancer of breast. Last evaluated: 2023-01-10. Review status: criteria provided, single submitter. Criteria: Invitae Variant Classification Sherloc (09022015). Collection method: clinical testing. Allele origin: germline.
Comment: In summary, the available evidence is currently insufficient to determine the role of this variant in disease. Therefore, it has been classified as a Variant of Uncertain Significance. Algorithms developed to predict the effect of sequence changes on RNA splicing suggest that this variant may create or strengthen a splice site. ClinVar contains an entry for this variant (Variation ID: 460694). This variant has not been reported in the literature in individuals affected with BARD1-related conditions. This variant is present in population databases (rs780580712, gnomAD 0.005%). This sequence change affects codon 394 of the BARD1 mRNA. It is a 'silent' change, meaning that it does not change the encoded amino acid sequence of the BARD1 protein.

Ambry Genetics
Classification: Likely benign for Hereditary cancer-predisposing syndrome. Last evaluated: 2021-07-23. Review status: criteria provided, single submitter. Criteria: Ambry Variant Classification Scheme 2023. Collection method: clinical testing. Allele origin: germline.